The following is an entry in ClinVar:

NM_000540.3(RYR1):c.8561G>C (p.Gly2854Ala)

Genes: RYR1 (ryanodine receptor 1; plus strand), LOC126862902 (BRD4-independent group 4 enhancer GRCh37_chr19:38995830-38997029; plus strand). Cytogenetic location: 19q13.2.
Variant type: single nucleotide variant.
Coding change: c.8561G>C on transcript NM_000540.3 (MANE Select); coding-DNA position 8561, G replaced by C.
Protein change: p.Gly2854Ala; replaces glycine 2854 with alanine.
Molecular consequence: missense variant.
Genome position (GRCh38, 1-based): chr19:38,506,322, G>C. VCF-style: chr19-38506322-G-C. GRCh37 (hg19) VCF-style: chr19-38996962-G-C.
Other names: c.8561G>C, p.Gly2854Ala (NM_001042723.2); short protein forms G2854A.
Identifiers: ClinVar variation 1517182 (VCV001517182.8), dbSNP rs2145635756, ClinGen allele CA405679241.
Genomic context (GRCh38, chr19:38,506,322, plus strand): 5'-AGCCCATCAGCCCACCTCCCATCTTCCCCTTGTCCTCTCAGACCTATGATCCTCGAGAAG[G>C]CTACAACCCTCAGCCCCCCGACCTTAGTGCTGTTACCCTGTCCCGGGAGCTGCAGGTGAG-3'
Protein context (NP_000531.2, residues 2844-2864): QSAQTYDPRE[Gly2854Ala]YNPQPPDLSA

ClinVar aggregate classification (germline): Uncertain significance (1 of 4 stars; one submission).

Conditions:
RYR1-related disorder. Also called: RYR1-related condition; RYR1-related disorders. Identifiers: MedGen CN239331.

Submission:

Labcorp Genetics (formerly Invitae), Labcorp
Classification: Uncertain significance for RYR1-related disorder. Last evaluated: 2022-07-03. Review status: criteria provided, single submitter. Criteria: Invitae Variant Classification Sherloc (09022015). Collection method: clinical testing. Allele origin: germline.
Comment: Advanced modeling of protein sequence and biophysical properties (such as structural, functional, and spatial information, amino acid conservation, physicochemical variation, residue mobility, and thermodynamic stability) performed at Invitae indicates that this missense variant is not expected to disrupt RYR1 protein function. In summary, the available evidence is currently insufficient to determine the role of this variant in disease. Therefore, it has been classified as a Variant of Uncertain Significance. ClinVar contains an entry for this variant (Variation ID: 1517182). This variant has not been reported in the literature in individuals affected with RYR1-related conditions. This variant is not present in population databases (gnomAD no frequency). This sequence change replaces glycine, which is neutral and non-polar, with alanine, which is neutral and non-polar, at codon 2854 of the RYR1 protein (p.Gly2854Ala).